The following is an entry in ClinVar:

NM_000406.3(GNRHR):c.-8G>A

Gene: GNRHR (gonadotropin releasing hormone receptor; minus strand). Cytogenetic location: 4q13.2.
Variant type: single nucleotide variant.
Coding change: c.-8G>A on transcript NM_000406.3 (MANE Select); 8 bases upstream of the start codon, G replaced by A.
Molecular consequence: 5 prime UTR variant.
Genome position (GRCh38, 1-based): chr4:67,754,343, C>T on the plus strand (G>A on the coding strand, the complement: GNRHR is on the minus strand). VCF-style: chr4-67754343-C-T. GRCh37 (hg19) VCF-style: chr4-68620061-C-T.
Other names: c.-8G>A (NM_001012763.2).
Identifiers: ClinVar variation 904873 (VCV000904873.6), dbSNP rs199976279, ClinGen allele CA2939021.

ClinVar aggregate classification (germline): Uncertain significance. Review status: criteria provided, multiple submitters, no conflicts (2 of 4 stars). 3 submissions from 3 submitters: Uncertain significance (3). Last evaluated 2021-07-11.

Conditions:
Hypogonadotropic hypogonadism 7 with or without anosmia (HH7). Also called: HYPOGONADOTROPIC HYPOGONADISM 7 WITHOUT ANOSMIA; GNRHR-Related GnRH Deficiency. Identifiers: Orphanet 432, MedGen C0342384, MONDO:0007794, OMIM 146110.

Allele frequency attached by ClinVar (database versions not stated): gnomAD 0.00033 and 0.00036; gnomAD exomes 0.00033 and 0.00036; TOPMed 0.00034; ExAC 0.00036; ESP Exome Variant Server 0.00039.

Submissions (3):

Fulgent Genetics
Classification: Uncertain significance for Hypogonadotropic hypogonadism 7 with or without anosmia. Last evaluated: 2021-07-11. Review status: criteria provided, single submitter. Criteria: ACMG Guidelines, 2015. Collection method: clinical testing. Allele origin: unknown.

GeneDx
Classification: Uncertain significance. Last evaluated: 2020-01-10. Review status: criteria provided, single submitter. Criteria: GeneDx Variant Classification Process June 2021. Collection method: clinical testing. Allele origin: germline. Affected: yes.
Comment: Nucleotide substitution has no predicted effect on splicing and is not conserved across species; This variant is associated with the following publications: (PMID: 27094476)

Illumina Laboratory Services, Illumina
Classification: Uncertain significance for Hypogonadotropic hypogonadism 7 with or without anosmia. Last evaluated: 2017-04-27. Review status: criteria provided, single submitter. Criteria: ICSL Variant Classification Criteria 13 December 2019. Collection method: clinical testing. Allele origin: germline.